The following is an entry in ClinVar:

ClinVar aggregate classification (germline): Pathogenic. Review status: criteria provided, multiple submitters, no conflicts (2 of 4 stars). 3 submissions from 3 submitters: Pathogenic (3). Last evaluated 2025-02-02.

Conditions:
Hereditary cancer-predisposing syndrome. Also called: Tumor predisposition; Neoplastic Syndromes, Hereditary; Hereditary Cancer Syndrome; Hereditary neoplastic syndrome. Identifiers: Orphanet 140162, MedGen C0027672, MeSH D009386, MONDO:0015356.
Familial cancer of breast. Also called: Hereditary breast cancer; hereditary breast carcinoma; BREAST CANCER, FAMILIAL. Identifiers: Orphanet 227535, MedGen C0346153, MONDO:0016419, OMIM 114480. Disease mechanism: loss of function.

Submissions (3):

Molecular Diagnostics Laboratory, Catalan Institute of Oncology
Classification: Pathogenic for Hereditary cancer-predisposing syndrome. Last evaluated: 2025-02-02. Review status: criteria provided, single submitter. Criteria: ClinGen ACMG Specifications PALB2 V1.0.0. Collection method: clinical testing. Allele origin: germline.
Comment: PVS1, PM5_Supporting, PM2_Supporting c.2359dup, located in exon 4 of the PALB2 gene, consists in the duplication of one nucleotide, causing a translational frameshift with a predicted alternate stop codon, p.(Thr787Asnfs*15). This alteration is expected to result in loss of function by premature protein truncation (PVS1, PM5_Supporting). It is not present in the population database gnomAD v2.1.1, non cancer dataset (PM2_supporting). The SpliceAI algorithm predicts no significant impact on splicing. Also, the variant has been reported in the ClinVar databases (2x pathogenic) but it has not been identified in the LOVD database. To our knowledge, functional studies have not been reported for this variant. Based on currently available information, the variant c.2359dup is classified as a pathogenic variant according to ClinGen-PALB2 Guidelines version 1.0.

Myriad Genetics, Inc.
Classification: Pathogenic for Familial cancer of breast. Last evaluated: 2023-09-12. Review status: criteria provided, single submitter. Criteria: Myriad Autosomal Dominant, Autosomal Recessive and X-Linked Classification Criteria (2023). Collection method: clinical testing. Allele origin: unknown.
Comment: This variant is considered pathogenic. This variant creates a frameshift predicted to result in premature protein truncation.

Labcorp Genetics (formerly Invitae), Labcorp
Classification: Pathogenic for Familial cancer of breast. Last evaluated: 2021-01-22. Review status: criteria provided, single submitter. Criteria: Invitae Variant Classification Sherloc (09022015). Collection method: clinical testing. Allele origin: germline.
Comment: For these reasons, this variant has been classified as Pathogenic. This variant has not been reported in the literature in individuals with PALB2-related conditions. This variant is not present in population databases (ExAC no frequency). This sequence change creates a premature translational stop signal (p.Thr787Asnfs*15) in the PALB2 gene. It is expected to result in an absent or disrupted protein product. Loss-of-function variants in PALB2 are known to be pathogenic (PMID: 17200668, 24136930, 25099575).

Literature cited by the submitters: PubMed 17200668 (cited by Labcorp Genetics (formerly Invitae), Labcorp); PubMed 24136930 (cited by Labcorp Genetics (formerly Invitae), Labcorp); PubMed 25099575 (cited by Labcorp Genetics (formerly Invitae), Labcorp).

NM_024675.4(PALB2):c.2359dup (p.Thr787fs)

Gene: PALB2 (partner and localizer of BRCA2; minus strand). Cytogenetic location: 16p12.2.
Variant type: Duplication.
Coding change: c.2359dup on transcript NM_024675.4 (MANE Select); coding-DNA position 2359, one base duplicated (A; older notation c.2359dupA).
Protein change: p.Thr787fs; shifts the reading frame from threonine 787.
Molecular consequence: frameshift variant.
Genome position (GRCh38, 1-based): chr16:23,629,795, T duplicated on the plus strand (A on the coding strand, the reverse complement: PALB2 is on the minus strand). VCF-style (leftmost placement, unchanged base first): chr16-23629794-G-GT. GRCh37 (hg19) VCF-style: chr16-23641115-G-GT.
Other names: short protein forms T787fs.
Identifiers: ClinVar variation 1453547 (VCV001453547.8), dbSNP rs2142374794, ClinGen allele CA2573152212.
Genomic context (GRCh38, chr16:23,629,794, plus strand): 5'-GGCGGGACAGAGTCACAGTCACAGGTAGGTTGTCCTTGCCTGCCTGACACTTGCAGGGTG[G>GT]TATGTGGTTTTGCTGGGCTGCCTGAACTGTCGAATTGTTTAGTATCACTGGCAAGACAGA-3'